The following is an entry in ClinVar:

NM_000271.5(NPC1):c.2170del (p.Leu724fs)

Gene: NPC1 (NPC intracellular cholesterol transporter 1; minus strand). Cytogenetic location: 18q11.2.
Variant type: Deletion.
Coding change: c.2170del on transcript NM_000271.5 (MANE Select); coding-DNA position 2170, one base deleted (C; older notation c.2170delC).
Protein change: p.Leu724fs; shifts the reading frame from leucine 724.
Molecular consequence: frameshift variant.
Genome position (GRCh38, 1-based): chr18:23,543,530, G deleted on the plus strand (C on the coding strand, the reverse complement: NPC1 is on the minus strand). VCF-style (leftmost placement, unchanged base first): chr18-23543529-AG-A. GRCh37 (hg19) VCF-style: chr18-21123493-AG-A.
Other names: short protein forms L724fs.
Identifiers: ClinVar variation 1997866 (VCV001997866.4), dbSNP rs2511230102, ClinGen allele CA2580095597.
Genomic context (GRCh38, chr18:23,543,529, plus strand): 5'-ACAGTCTCAGAAAAGGATGACAGGAACATACTGGGAGCCACTTCTCCTAGGACCCTGCCC[AG>A]CTGCTGATCCAGGGTTTCCCCTTGAAGACGTTCATCTCTCTTAAAAAAAAAAAAAAAAAA-3'

ClinVar aggregate classification (germline): Pathogenic (1 of 4 stars; one submission).

Conditions:
Niemann-Pick disease, type C1. Also called: NIEMANN-PICK DISEASE, VARIANT TYPE C1; NEUROVISCERAL STORAGE DISEASE WITH VERTICAL SUPRANUCLEAR OPHTHALMOPLEGIA; NIEMANN-PICK DISEASE WITH CHOLESTEROL ESTERIFICATION BLOCK; NIEMANN-PICK DISEASE WITHOUT SPHINGOMYELINASE DEFICIENCY; NIEMANN-PICK DISEASE, CHRONIC NEURONOPATHIC FORM. Identifiers: Orphanet 646, MedGen C3179455, MONDO:0009757, OMIM 257220.

Submission:

Labcorp Genetics (formerly Invitae), Labcorp
Classification: Pathogenic for Niemann-Pick disease, type C1. Last evaluated: 2023-09-08. Review status: criteria provided, single submitter. Criteria: Invitae Variant Classification Sherloc (09022015). Collection method: clinical testing. Allele origin: germline.
Comment: Algorithms developed to predict the effect of sequence changes on RNA splicing suggest that this variant may disrupt the consensus splice site. For these reasons, this variant has been classified as Pathogenic. ClinVar contains an entry for this variant (Variation ID: 1997866). This sequence change creates a premature translational stop signal (p.Leu724Trpfs*5) in the NPC1 gene. It is expected to result in an absent or disrupted protein product. Loss-of-function variants in NPC1 are known to be pathogenic (PMID: 9211850). This variant is not present in population databases (gnomAD no frequency). This variant has not been reported in the literature in individuals affected with NPC1-related conditions.

Literature cited by the submitters: PubMed 9211850.